The following is an entry in ClinVar:

NM_000540.3(RYR1):c.2654G>T (p.Arg885Leu)

Gene: RYR1 (ryanodine receptor 1; plus strand). Cytogenetic location: 19q13.2.
Variant type: single nucleotide variant.
Coding change: c.2654G>T on transcript NM_000540.3 (MANE Select); coding-DNA position 2654, G replaced by T.
Protein change: p.Arg885Leu; replaces arginine 885 with leucine.
Molecular consequence: missense variant.
Genome position (GRCh38, 1-based): chr19:38,463,499, G>T. VCF-style: chr19-38463499-G-T. GRCh37 (hg19) VCF-style: chr19-38954139-G-T.
Other names: c.2654G>T, p.Arg885Leu (NM_001042723.2); short protein forms R885L.
Identifiers: ClinVar variation 1030858 (VCV001030858.2), dbSNP rs370634440, ClinGen allele CA063665.

ClinVar aggregate classification (germline): Uncertain significance. Review status: criteria provided, multiple submitters, no conflicts (2 of 4 stars). 2 submissions from 2 submitters: Uncertain significance (2). Last evaluated 2025-01-10.

Conditions:
Central core myopathy (CMYO1A). Also called: CONGENITAL MYOPATHY 1A, AUTOSOMAL DOMINANT, WITH SUSCEPTIBILITY TO MALIGNANT HYPERTHERMIA; Central core disease; Myopathy, central fibrillar. Identifiers: Orphanet 597, MedGen C5830701, MONDO:0007294, OMIM 117000.

gnomAD v4.1: 1 of 1,612,934 alleles (0.000062%); highest among the groups gnomAD compares: South Asian, 0.0011%; no homozygotes.

Submissions (2):

GeneDx
Classification: Uncertain significance. Last evaluated: 2025-01-10. Review status: criteria provided, single submitter. Criteria: GeneDx Variant Classification Process June 2021. Collection method: clinical testing. Allele origin: germline. Affected: yes.
Comment: Not observed at significant frequency in large population cohorts (gnomAD); In silico analysis supports that this missense variant has a deleterious effect on protein structure/function; Has not been previously published as pathogenic or benign to our knowledge; This variant is associated with the following publications: (PMID: 36131268)

Baylor Genetics
Classification: Uncertain significance for Central core myopathy. Last evaluated: 2020-07-27. Review status: criteria provided, single submitter. Criteria: ACMG Guidelines, 2015. Collection method: clinical testing. Allele origin: unknown. Affected: yes.
Comment: This variant was determined to be of uncertain significance according to ACMG Guidelines, 2015 [PMID:25741868].